The following is an entry in ClinVar:

ClinVar aggregate classification (germline): Uncertain significance (1 of 4 stars; one submission).

Conditions:
Bethlem myopathy 1A. Also called: MYOPATHY, BENIGN CONGENITAL, WITH CONTRACTURES; Bethlem myopathy 1; Bethlem Muscular Dystrophy. Identifiers: Orphanet 610, MedGen CN029274, MONDO:0024530, OMIM 158810.

Submission:

Labcorp Genetics (formerly Invitae), Labcorp
Classification: Uncertain significance for Bethlem myopathy 1A. Last evaluated: 2021-03-24. Review status: criteria provided, single submitter. Criteria: Invitae Variant Classification Sherloc (09022015). Collection method: clinical testing. Allele origin: germline.
Comment: In summary, the available evidence is currently insufficient to determine the role of this variant in disease. Therefore, it has been classified as a Variant of Uncertain Significance. This sequence change replaces alanine with glycine at codon 90 of the COL6A1 protein (p.Ala90Gly). The alanine residue is highly conserved and there is a small physicochemical difference between alanine and glycine. This variant is not present in population databases (ExAC no frequency). This variant has not been reported in the literature in individuals with COL6A1-related conditions. Advanced modeling of protein sequence and biophysical properties (such as structural, functional, and spatial information, amino acid conservation, physicochemical variation, residue mobility, and thermodynamic stability) performed at Invitae indicates that this missense variant is not expected to disrupt COL6A1 protein function.

NM_001848.3(COL6A1):c.269C>G (p.Ala90Gly)

Gene: COL6A1 (collagen type VI alpha 1 chain; plus strand). Cytogenetic location: 21q22.3.
Variant type: single nucleotide variant.
Coding change: c.269C>G on transcript NM_001848.3 (MANE Select); coding-DNA position 269, C replaced by G.
Protein change: p.Ala90Gly; replaces alanine 90 with glycine.
Molecular consequence: missense variant.
Genome position (GRCh38, 1-based): chr21:45,984,310, C>G. VCF-style: chr21-45984310-C-G. GRCh37 (hg19) VCF-style: chr21-47404224-C-G.
Other names: short protein forms A90G.
Identifiers: ClinVar variation 1519242 (VCV001519242.8), dbSNP rs766517983, ClinGen allele CA410515836.